The following is an entry in ClinVar:

ClinVar aggregate classification (germline): Pathogenic/Likely pathogenic. Review status: criteria provided, multiple submitters, no conflicts (2 of 4 stars). 24 submissions from 24 submitters: Pathogenic (19); Likely pathogenic (4). 1 of the submissions does not count toward it. Last evaluated 2026-06-23.

Conditions:
GMPPB-related disorder. Also called: GMPPB-related disorders; GMPPB-related condition.
Inborn genetic diseases. Identifiers: MedGen C0950123, MeSH D030342.
Fetal anomalies with a likely genetic cause.
Acute rhabdomyolysis. Identifiers: MedGen C3807306, HP:0008942.
Muscular dystrophy-dystroglycanopathy (congenital with brain and eye anomalies), type A14. Also called: Congenital Muscular Dystrophy-Dystroglycanopathy with Brain and Eye Anomalies Type A 14; WALKER-WARBURG SYNDROME OR MUSCLE-EYE-BRAIN DISEASE, GMPPB-RELATED; Muscular dystrophy-dystroglycanopathy (congenital with brain and eye anomalies), type a, 14; Congenital muscular dystrophy-dystroglycanopathy with brain and eye anomalies, type A14. Identifiers: Orphanet 588, MedGen C3809216, MONDO:0014140, OMIM 615350.
Autosomal recessive limb-girdle muscular dystrophy type 2T. Also called: MUSCULAR DYSTROPHY-DYSTROGLYCANOPATHY, LIMB-GIRDLE, GMPPB-RELATED; MUSCULAR DYSTROPHY, LIMB-GIRDLE, TYPE 2T; Muscular dystrophy-dystroglycanopathy (limb-girdle), type c, 14; Limb-girdle muscular dystrophy-dystroglycanopathy, type C14. Identifiers: Orphanet 363623, MedGen C4518000, MONDO:0014142, OMIM 615352.
Muscular dystrophy. Identifiers: Orphanet 98473, MedGen C0026850, MeSH D009136, MONDO:0020121, HP:0003560.
Muscular dystrophy-dystroglycanopathy (congenital with impaired intellectual development), type B, 14. Also called: MUSCULAR DYSTROPHY, CONGENITAL, GMPPB-RELATED; Congenital muscular dystrophy-dystroglycanopathy with mental retardation, type B14; Muscular dystrophy-dystroglycanopathy (congenital with intellectual disability), type B14. Identifiers: MedGen C3809221, MONDO:0014141, OMIM 615351.

Allele frequency attached by ClinVar (database versions not stated): gnomAD exomes 0.00102 and 0.00070; TOPMed 0.00049; gnomAD 0.00053 and 0.00054; ESP Exome Variant Server 0.00077; ExAC 0.00088.
gnomAD v4.1: 1,506 of 1,582,864 alleles (0.095%); highest among the groups gnomAD compares: Non-Finnish European, 0.12%; 1 homozygote.

Submissions 1 to 11 of 24:

PreventionGenetics, part of Exact Sciences
Classification: Pathogenic for GMPPB-related condition. Last evaluated: 2026-06-23. Review status: criteria provided, single submitter. Criteria: ACMG Guidelines, 2015. Collection method: clinical testing. Allele origin: germline.
Comment: The GMPPB c.79G>C variant is predicted to result in the amino acid substitution p.Asp27His. This variant has been reported in the compound heterozygous state in many unrelated patients with GMPPB-related disease (Carss et al. 2013. PubMed ID: 23768512; Belaya et al. 2015. PubMed ID: 26133662; Jensen et al. 2015. PubMed ID: 26310427). In addition, at PreventionGenetics we have observed this variant in the compound heterozygous state with another pathogenic variant in several patients (Internal data). This variant is reported in 0.12% of alleles in individuals of European (Non-Finnish) descent in gnomAD. Given the evidence, we interpret c.79G>C (p.Asp27His) as pathogenic.

Genetics Laboratory, Great Ormond Street Hospital NHS Foundation Trust, North Thames Genomic Laboratory Hub
Classification: Pathogenic for Fetal anomalies with a likely genetic cause. Last evaluated: 2026-03-05. Review status: criteria provided, single submitter. Criteria: ACGS Best Practice Guidelines for Variant Classification in Rare Disease 2024 v1.2. Collection method: clinical testing. Allele origin: germline. Affected: yes.

Dasa
Classification: Pathogenic. Last evaluated: 2025-11-22. Review status: criteria provided, single submitter. Criteria: DASA Assertion Criteria. Collection method: clinical testing. Allele origin: germline.
Comment: NM_021971.4(GMPPB):c.79G>C (p.Asp27His) is a missense variant that results in the substitution of aspartic acid with histidine. Functional evidence supports a deleterious effect on the gene or gene product (PMID: 23768512; PMID: 25681410; PMID: 25770200; PMID: 26133662; PMID: 26310427). This variant has been recurrently observed in individuals with related phenotype (PMID: 23768512; PMID: 25681410; PMID: 25770200; PMID: 26133662; PMID: 26310427). Segregation evidence has been reported in affected families. The variant is present at low frequency in population datasets. Based on the available data, this variant is classified as pathogenic.

NHS Central & South Genomic Laboratory Hub
Classification: Likely pathogenic for Acute Rhabdomyolysis. Last evaluated: 2025-10-21. Review status: criteria provided, single submitter. Criteria: ACMG Guidelines, 2015. Collection method: clinical testing. Allele origin: germline. Affected: yes.

3billion
Classification: Pathogenic for Autosomal recessive limb-girdle muscular dystrophy type 2T. Last evaluated: 2025-08-26. Review status: criteria provided, single submitter. Criteria: ACMG Guidelines, 2015. Collection method: clinical testing. Allele origin: germline. Affected: yes.
Comment: The variant is observed at an extremely low frequency in the gnomAD v4.1.0 dataset (total allele frequency: 0.095%). Predicted Consequence/Location: Missense variant In silico tool predictions suggest damaging effect of the variant on gene or gene product [REVEL: 0.62 (>=0.6, sensitivity 0.68 and specificity 0.92); 3Cnet: 0.99 (> 0.75, sensitivity 0.96 and precision 0.92)]. The same nucleotide change resulting in the same amino acid change has been previously reported as pathogenic/likely pathogenic with strong evidence (ClinVar ID: VCV000060546 /PMID: 23768512). The variant has been reported to be in trans with a pathogenic variant as either compound heterozygous or homozygous in at least 2 similarly affected unrelated individuals (PMID: 32115343, 34106991). Therefore, this variant is classified as Pathogenic according to the recommendation of ACMG/AMP guideline.

CeGaT Center for Human Genetics Tuebingen
Classification: Pathogenic. Last evaluated: 2025-06-01. Review status: criteria provided, single submitter. Criteria: CeGaT Center For Human Genetics Tuebingen Variant Classification Criteria Version 2. Collection method: clinical testing. Allele origin: germline. Affected: yes. Observed: 6 variant alleles.
Comment: GMPPB: PM3:Very Strong, PP1:Moderate, PM2:Supporting

Mayo Clinic Laboratories, Mayo Clinic
Classification: Pathogenic. Last evaluated: 2025-02-24. Review status: criteria provided, single submitter. Criteria: ACMG Guidelines, 2015. Collection method: clinical testing. Allele origin: germline. Observed: 3 variant alleles.
Comment: PP4, PM2_supporting, PM3_very_strong, PS4_moderate

Labcorp Genetics (formerly Invitae), Labcorp
Classification: Pathogenic for Autosomal recessive limb-girdle muscular dystrophy type 2T; Muscular dystrophy-dystroglycanopathy (congenital with brain and eye anomalies), type A14; Muscular dystrophy-dystroglycanopathy (congenital with impaired intellectual development), type B, 14. Last evaluated: 2025-01-14. Review status: criteria provided, single submitter. Criteria: Invitae Variant Classification Sherloc (09022015). Collection method: clinical testing. Allele origin: germline.
Comment: This sequence change replaces aspartic acid, which is acidic and polar, with histidine, which is basic and polar, at codon 27 of the GMPPB protein (p.Asp27His). This variant is present in population databases (rs142336618, gnomAD 0.1%), and has an allele count higher than expected for a pathogenic variant. This missense change has been observed in individual(s) with autosomal recessive limb-girdle muscular dystrophy, congenital myasthenic syndrome, and/or muscle weakness with intellectual disability and epilepsy (PMID: 23768512, 25681410, 25770200, 26133662, 26310427). In at least one individual the data is consistent with being in trans (on the opposite chromosome) from a pathogenic variant. It has also been observed to segregate with disease in related individuals. ClinVar contains an entry for this variant (Variation ID: 60546). Invitae Evidence Modeling of protein sequence and biophysical properties (such as structural, functional, and spatial information, amino acid conservation, physicochemical variation, residue mobility, and thermodynamic stability) indicates that this missense variant is not expected to disrupt GMPPB protein function with a negative predictive value of 80%. Experimental studies are conflicting or provide insufficient evidence to determine the effect of this variant on GMPPB function (PMID: 23768512). For these reasons, this variant has been classified as Pathogenic.

Blueprint Genetics
Classification: Pathogenic for GMPPB-related disorders. Last evaluated: 2024-11-08. Review status: criteria provided, single submitter. Criteria: ACMG Guidelines, 2015. Collection method: clinical testing. Allele origin: germline. Affected: yes. Observed: 5 variant alleles.

Revvity Omics, Revvity
Classification: Likely pathogenic. Last evaluated: 2024-10-17. Review status: criteria provided, single submitter. Criteria: ACMG Guidelines, 2015. Collection method: clinical testing. Allele origin: germline.

Institute of Human Genetics, University of Leipzig Medical Center
Classification: Pathogenic for Muscular dystrophy-dystroglycanopathy (congenital with brain and eye anomalies), type A14. Last evaluated: 2023-10-20. Review status: criteria provided, single submitter. Criteria: ACMG Guidelines, 2015. Collection method: clinical testing. Allele origin: paternal. Inheritance: Autosomal recessive inheritance. Affected: yes.
Comment: Criteria applied: PM3_VSTR,PS3_SUP,PP1; Identified as compund heterozygous with NM_021971.4:c.860G>A

NM_021971.4(GMPPB):c.79G>C (p.Asp27His)

Gene: GMPPB (GDP-mannose pyrophosphorylase B; minus strand). Cytogenetic location: 3p21.31.
Variant type: single nucleotide variant.
Coding change: c.79G>C on transcript NM_021971.4 (MANE Select); coding-DNA position 79, G replaced by C.
Protein change: p.Asp27His; replaces aspartic acid 27 with histidine.
Molecular consequence: missense variant.
Genome position (GRCh38, 1-based): chr3:49,723,648, C>G on the plus strand (G>C on the coding strand, the complement: GMPPB is on the minus strand). VCF-style: chr3-49723648-C-G. GRCh37 (hg19) VCF-style: chr3-49761081-C-G.
Other names: c.79G>C, p.Asp27His (NM_013334.4); c.79G>C (NM_013334.2); short protein forms D27H.
Identifiers: ClinVar variation 60546 (VCV000060546.78), dbSNP rs142336618, ClinGen allele CA144567.